The following is an entry in ClinVar:

ClinVar aggregate classification (germline): Uncertain significance (1 of 4 stars; one submission).

Conditions:
Intellectual developmental disorder, autosomal dominant 45. Also called: MENTAL RETARDATION, AUTOSOMAL DOMINANT 45; Intellectual disability, autosomal dominant 45. Identifiers: MedGen C4539848, MONDO:0030910, OMIM 617600.

gnomAD v4.1: 6 of 398,706 alleles (0.0015%); highest among the groups gnomAD compares: Non-Finnish European, 0.0027%; no homozygotes.

Submission:

Pittsburgh Clinical Genomics Laboratory, University of Pittsburgh Medical Center
Classification: Uncertain significance for Intellectual developmental disorder, autosomal dominant 45. Last evaluated: 2024-06-25. Review status: criteria provided, single submitter. Criteria: ACMG Guidelines, 2015. Collection method: clinical testing. Allele origin: germline. Inheritance: Autosomal dominant inheritance. Affected: yes.
Comment: This sequence variant is a single nucleotide substitution (C>T) at position 877 of the coding sequence of the CIC gene that results in a proline to serine amino acid change at residue 293 of the capicua transcriptional repressor protein. This variant is absent from ClinVar and has not been observed in the published literature in individuals with CIC-related disease, to our knowledge. This variant is present in 6 of 398706 alleles (0.0015%) in the gnomAD v4.1.0 population dataset. Bioinformatic tools are inconclusive if this amino acid change will be damaging or tolerated, and the Pro293 residue at this position is highly conserved across the vertebrate species examined. Studies examining the functional consequence of this variant have not been published, to our knowledge. At this time, there is insufficient evidence to determine if this variant is pathogenic or benign. Therefore, we consider this a variant of uncertain significance. ACMG Criteria: BP1, PM2

NM_001386298.1(CIC):c.877C>T (p.Pro293Ser)

Gene: CIC (capicua transcriptional repressor; plus strand). Cytogenetic location: 19q13.2.
Variant type: single nucleotide variant.
Coding change: c.877C>T on transcript NM_001386298.1 (MANE Select); coding-DNA position 877, C replaced by T.
Protein change: p.Pro293Ser; replaces proline 293 with serine.
Molecular consequence: missense variant.
Genome position (GRCh38, 1-based): chr19:42,272,660, C>T. VCF-style: chr19-42272660-C-T. GRCh37 (hg19) VCF-style: chr19-42776812-C-T.
Other names: c.877C>T, p.Pro293Ser (NM_001304815.2, NM_001379480.1, NM_001379482.1); short protein forms P293S.
Identifiers: ClinVar variation 3376389 (VCV003376389.1).